The following is an entry in ClinVar:

NM_000298.6(PKLR):c.991G>A (p.Asp331Asn)

Gene: PKLR (pyruvate kinase L/R; minus strand). Cytogenetic location: 1q22.
Variant type: single nucleotide variant.
Coding change: c.991G>A on transcript NM_000298.6 (MANE Select); coding-DNA position 991, G replaced by A.
Protein change: p.Asp331Asn; replaces aspartic acid 331 with asparagine.
Molecular consequence: missense variant.
Genome position (GRCh38, 1-based): chr1:155,294,360, C>T on the plus strand (G>A on the coding strand, the complement: PKLR is on the minus strand). VCF-style: chr1-155294360-C-T. GRCh37 (hg19) VCF-style: chr1-155264151-C-T.
Other names: p.Asp331Asn; c.898G>A, p.Asp300Asn (NM_181871.4); short protein forms D300N, D331N.
Identifiers: ClinVar variation 4077428 (VCV004077428.2).

ClinVar aggregate classification (germline): Likely pathogenic. Review status: criteria provided, multiple submitters, no conflicts (2 of 4 stars). 2 submissions from 2 submitters: Likely pathogenic (2). Last evaluated 2024-12-17.

gnomAD v4.1: 8 of 1,613,998 alleles (0.0005%); highest among the groups gnomAD compares: African/African-American, 0.004%; no homozygotes.

Submissions (2):

Mayo Clinic Laboratories, Mayo Clinic
Classification: Likely pathogenic. Last evaluated: 2024-12-17. Review status: criteria provided, single submitter. Criteria: ACMG Guidelines, 2015. Collection method: clinical testing. Allele origin: germline. Observed: 1 variant allele.
Comment: PP3, PM2_supporting, PM3, PM5

Revvity Omics, Revvity
Classification: Likely pathogenic. Last evaluated: 2023-08-28. Review status: criteria provided, single submitter. Criteria: ACMG Guidelines, 2015. Collection method: clinical testing. Allele origin: germline.

Literature cited by the submitters: PubMed 10087985 (cited by Mayo Clinic Laboratories, Mayo Clinic); PubMed 10679942 (cited by Mayo Clinic Laboratories, Mayo Clinic); PubMed 11328279 (cited by Mayo Clinic Laboratories, Mayo Clinic); PubMed 32043619 (cited by Mayo Clinic Laboratories, Mayo Clinic); PubMed 36927785 (cited by Mayo Clinic Laboratories, Mayo Clinic).